The following is an entry in ClinVar:

ClinVar aggregate classification (germline): Benign/Likely benign. Review status: criteria provided, multiple submitters, no conflicts (2 of 4 stars). 2 submissions from 2 submitters: Benign (1); Likely benign (1). Last evaluated 2025-09-22.

Submissions (2):

Mayo Clinic Laboratories, Mayo Clinic
Classification: Benign. Last evaluated: 2025-09-22. Review status: criteria provided, single submitter. Criteria: ACMG Guidelines, 2015. Collection method: clinical testing. Allele origin: germline. Observed: 29 variant alleles.
Comment: BA1, BP4, BP7

Blueprint Genetics
Classification: Likely benign. Last evaluated: 2024-11-27. Review status: criteria provided, single submitter. Criteria: ACMG Guidelines, 2015. Collection method: clinical testing. Allele origin: germline.

NM_000799.4(EPO):c.246+24dup

Gene: EPO (erythropoietin; plus strand). Cytogenetic location: 7q22.1.
Variant type: Duplication.
Coding change: c.246+24dup on transcript NM_000799.4 (MANE Select); 24 bases into the intron after coding-DNA position 246, one base duplicated (T; older notation c.246+24dupT).
Molecular consequence: intron variant.
Genome position (GRCh38, 1-based): chr7:100,722,072, T duplicated; the last of 15 consecutive T bases (chr7:100,722,058-100,722,072); duplicating any one gives the same sequence. VCF-style (leftmost placement, unchanged base first): chr7-100722057-C-CT. GRCh37 (hg19) VCF-style: chr7-100319680-C-CT.
Other names: p.?.
Identifiers: ClinVar variation 4683301 (VCV004683301.2).
Genomic context (GRCh38, chr7:100,722,057, plus strand): 5'-TATCACTGTCCCAGACACCAAAGTTAATTTCTATGCCTGGAAGAGGATGGAGGTGAGTTC[C>CT]TTTTTTTTTTTTTTTCCTTTCTTTTGGAGAATCTCATTTGCGAGCCTGATTTTGGATGAA-3'